The following is an entry in ClinVar:

NM_000018.4(ACADVL):c.1881G>C (p.Gln627His)

Gene: ACADVL (acyl-CoA dehydrogenase very long chain; plus strand). Cytogenetic location: 17p13.1.
Variant type: single nucleotide variant.
Coding change: c.1881G>C on transcript NM_000018.4 (MANE Select); coding-DNA position 1881, G replaced by C.
Protein change: p.Gln627His; replaces glutamine 627 with histidine.
Molecular consequence: missense variant.
Genome position (GRCh38, 1-based): chr17:7,225,010, G>C. VCF-style: chr17-7225010-G-C. GRCh37 (hg19) VCF-style: chr17-7128329-G-C.
Other names: c.1815G>C, p.Gln605His (NM_001033859.3); c.1950G>C, p.Gln650His (NM_001270447.2); c.1653G>C, p.Gln551His (NM_001270448.2); short protein forms Q627H, Q650H, Q551H, Q605H.
Identifiers: ClinVar variation 848987 (VCV000848987.8), dbSNP rs931018661, ClinGen allele CA397726092.

ClinVar aggregate classification (germline): Uncertain significance. Review status: criteria provided, single submitter (1 of 4 stars). 2 submissions from 2 submitters: Uncertain significance (1). 1 of the submissions does not count toward it. Last evaluated 2021-08-24.

Conditions:
Very long chain acyl-CoA dehydrogenase deficiency (ACADVLD). Also called: VLCAD Deficiency; Very Long-Chain Acyl-Coenzyme A Dehydrogenase Deficiency. Identifiers: Orphanet 26793, MedGen C3887523, MONDO:0008723, OMIM 201475.

Allele frequency attached by ClinVar (database versions not stated): TOPMed 0.00001.
gnomAD v4.1: 3 of 1,613,994 alleles (0.00019%); highest among the groups gnomAD compares: Non-Finnish European, 0.00025%; no homozygotes.

Submissions (2):

Labcorp Genetics (formerly Invitae), Labcorp
Classification: Uncertain significance for Very long chain acyl-CoA dehydrogenase deficiency. Last evaluated: 2021-08-24. Review status: criteria provided, single submitter. Criteria: Invitae Variant Classification Sherloc (09022015). Collection method: clinical testing. Allele origin: germline.
Comment: This sequence change replaces glutamine with histidine at codon 627 of the ACADVL protein (p.Gln627His). The glutamine residue is moderately conserved and there is a small physicochemical difference between glutamine and histidine. This variant is not present in population databases (ExAC no frequency). This variant has not been reported in the literature in individuals affected with ACADVL-related conditions. Algorithms developed to predict the effect of missense changes on protein structure and function (SIFT, PolyPhen-2, Align-GVGD) all suggest that this variant is likely to be tolerated. In summary, the available evidence is currently insufficient to determine the role of this variant in disease. Therefore, it has been classified as a Variant of Uncertain Significance.

Natera, Inc.
Classification: Uncertain significance for Very long chain acyl-CoA dehydrogenase deficiency. Last evaluated: 2025-04-18. Review status: no assertion criteria provided. Collection method: clinical testing. Allele origin: germline. Not counted in ClinVar's aggregate classification.